The following is an entry in ClinVar:

NM_000268.4(NF2):c.1468C>G (p.Pro490Ala)

Gene: NF2 (NF2, moesin-ezrin-radixin like (MERLIN) tumor suppressor; plus strand). Cytogenetic location: 22q12.2.
Variant type: single nucleotide variant.
Coding change: c.1468C>G on transcript NM_000268.4 (MANE Select); coding-DNA position 1468, C replaced by G.
Protein change: p.Pro490Ala; replaces proline 490 with alanine.
Molecular consequence: missense variant. On other transcripts: non-coding transcript variant (1), intron variant (1).
Genome position (GRCh38, 1-based): chr22:29,678,217, C>G. VCF-style: chr22-29678217-C-G. GRCh37 (hg19) VCF-style: chr22-30074206-C-G.
Other names: c.1354C>G, p.Pro452Ala (NM_001407053.1, NM_001407056.1); c.1345C>G, p.Pro449Ala (NM_001407054.1, NM_001407058.1, NM_181829.3); c.1342C>G, p.Pro448Ala (NM_001407055.1, NM_181828.3); c.1333C>G, p.Pro445Ala (NM_001407057.1, NM_001407059.1); c.1468C>G, p.Pro490Ala (NM_001407060.1, NM_001407066.1, NM_016418.5 and 2 more transcripts); c.1210C>G, p.Pro404Ala (NM_001407062.1); c.1219C>G, p.Pro407Ala (NM_001407063.1, NM_001407064.1, NM_181830.3 and 1 more transcripts); c.934C>G, p.Pro312Ala (NM_001407065.1); and 2 more; short protein forms P407A, P448A, P449A, P452A, P312A, P413A, P404A, P445A.
Identifiers: ClinVar variation 5025725 (VCV005025725.1).

ClinVar aggregate classification (germline): Uncertain significance (1 of 4 stars; one submission).

Conditions:
Hereditary cancer-predisposing syndrome. Also called: Neoplastic Syndromes, Hereditary; Tumor predisposition; Hereditary neoplastic syndrome; Hereditary Cancer Syndrome. Identifiers: Orphanet 140162, MedGen C0027672, MeSH D009386, MONDO:0015356.

gnomAD v4.1: 1 of 1,614,152 alleles (0.000062%); highest among the groups gnomAD compares: Admixed American, 0.0017%; no homozygotes.

Submission:

Ambry Genetics
Classification: Uncertain significance for Hereditary cancer-predisposing syndrome. Last evaluated: 2026-09-08. Review status: criteria provided, single submitter. Criteria: Ambry Variant Classification Scheme 2023. Collection method: clinical testing. Allele origin: germline.
Comment: The p.P490A variant (also known as c.1468C>G), located in coding exon 14 of the NF2 gene, results from a C to G substitution at nucleotide position 1468. The proline at codon 490 is replaced by alanine, an amino acid with highly similar properties. This amino acid position is conserved. In addition, this alteration is predicted to be tolerated by in silico analysis. Based on the available evidence, the clinical significance of this variant remains unclear.